The following is an entry in ClinVar:

ClinVar aggregate classification (germline): Uncertain significance (1 of 4 stars; one submission).

Submission:

Women's Health and Genetics/Laboratory Corporation of America, LabCorp
Classification: Uncertain significance. Last evaluated: 2025-12-31. Review status: criteria provided, single submitter. Criteria: LabCorp Variant Classification Summary - May 2015. Collection method: clinical testing. Allele origin: germline.
Comment: Variant summary: The variant involves the duplication of exons 3-26 in the MYH6 gene. A presumed nomenclature of c.(-14+1_-13-1)_(3732+1_3733-1)dup has been designated for the purposes of this classification. The exact breakpoint at the 5' end of this variant is unknown, therefore this duplication may extend upstream of the annotated region of this gene. It is predicted to duplicate a segment including the initiation codon, therefore its impact on the encoded protein is unknown. The variant was absent in 20310 control chromosomes. The available data on variant occurrences in the general population are insufficient to allow any conclusion about variant significance. To our knowledge, no occurrence of c.(-14+1_-13-1)_(3732+1_3733-1)dup in individuals affected with MYH6-related conditions and no experimental evidence demonstrating its impact on protein function have been reported. No submitters have cited clinical-significance assessments for this variant to ClinVar. Based on the evidence outlined above, the variant was classified as uncertain significance.

NC_000014.8:g.(23858929_23859265)_(23876446_23876784)dup

Gene: MYH6 (myosin heavy chain 6; minus strand). Cytogenetic location: 14q11.2.
Variant type: Duplication.
Identifiers: ClinVar variation 4688902 (VCV004688902.1).